The following is an entry in ClinVar:

NM_001386795.1(DTNA):c.1002-132A>G

Gene: DTNA (dystrobrevin alpha; plus strand). Cytogenetic location: 18q12.1.
Variant type: single nucleotide variant.
Coding change: c.1002-132A>G on transcript NM_001386795.1 (MANE Select); 132 bases into the intron before coding-DNA position 1002, A replaced by G.
Molecular consequence: intron variant.
Genome position (GRCh38, 1-based): chr18:34,827,461, A>G. VCF-style: chr18-34827461-A-G. GRCh37 (hg19) VCF-style: chr18-32407425-A-G.
Other names: c.1011-132A>G (NM_032975.4, NM_001386761.1, NM_001386762.1 and 5 more transcripts); c.1002-132A>G (NM_001386754.1, NM_001386755.1, NM_001386760.1 and 26 more transcripts); c.603+15348A>G (NM_001198945.2); c.252-132A>G (NM_001198943.1); c.48-132A>G (NM_001198942.1, NM_001198944.1, NM_032980.4 and 1 more transcripts).
Identifiers: ClinVar variation 672651 (VCV000672651.2), dbSNP rs1790526, ClinGen allele CA16554730.

ClinVar aggregate classification (germline): Benign. Review status: criteria provided, multiple submitters, no conflicts (2 of 4 stars). 2 submissions from 2 submitters: Benign (2). Last evaluated 2018-06-16.

Allele frequency attached by ClinVar (database versions not stated): 1000 Genomes Project 0.06889; 1000 Genomes Project 30x 0.07105; TOPMed 0.09405; gnomAD 0.10377 and 0.10553.
gnomAD v4.1: 84,225 of 812,392 alleles (10%); highest among the groups gnomAD compares: South Asian, 11%; 4,889 homozygotes.

Submissions (2):

GeneDx
Classification: Benign. Last evaluated: 2018-06-16. Review status: criteria provided, single submitter. Criteria: GeneDx Variant Classification (06012015). Collection method: clinical testing. Allele origin: germline. Affected: yes.
Comment: This variant is considered likely benign or benign based on one or more of the following criteria: it is a conservative change, it occurs at a poorly conserved position in the protein, it is predicted to be benign by multiple in silico algorithms, and/or has population frequency not consistent with disease.

Breakthrough Genomics
Classification: Benign. Review status: criteria provided, single submitter. Criteria: ACMG Guidelines, 2015. Collection method: not provided. Allele origin: germline. Inheritance: Autosomal dominant inheritance. Affected: yes.